The following is an entry in ClinVar:

ClinVar aggregate classification (germline): Uncertain significance (1 of 4 stars; one submission).

Allele frequency attached by ClinVar (database versions not stated): TOPMed below 0.00001.

Submission:

Labcorp Genetics (formerly Invitae), Labcorp
Classification: Uncertain significance. Last evaluated: 2024-01-23. Review status: criteria provided, single submitter. Criteria: Invitae Variant Classification Sherloc (09022015). Collection method: clinical testing. Allele origin: germline.
Comment: This sequence change replaces histidine, which is basic and polar, with tyrosine, which is neutral and polar, at codon 192 of the SLC4A1 protein (p.His192Tyr). This variant is not present in population databases (gnomAD no frequency). This variant has not been reported in the literature in individuals affected with SLC4A1-related conditions. Advanced modeling of protein sequence and biophysical properties (such as structural, functional, and spatial information, amino acid conservation, physicochemical variation, residue mobility, and thermodynamic stability) performed at Invitae indicates that this missense variant is not expected to disrupt SLC4A1 protein function with a negative predictive value of 80%. In summary, the available evidence is currently insufficient to determine the role of this variant in disease. Therefore, it has been classified as a Variant of Uncertain Significance.

NM_000342.4(SLC4A1):c.574C>T (p.His192Tyr)

Gene: SLC4A1 (solute carrier family 4 member 1 (Diego blood group); minus strand). Cytogenetic location: 17q21.31.
Variant type: single nucleotide variant.
Coding change: c.574C>T on transcript NM_000342.4 (MANE Select); coding-DNA position 574, C replaced by T.
Protein change: p.His192Tyr; replaces histidine 192 with tyrosine.
Molecular consequence: missense variant.
Genome position (GRCh38, 1-based): chr17:44,259,844, G>A on the plus strand (C>T on the coding strand, the complement: SLC4A1 is on the minus strand). VCF-style: chr17-44259844-G-A. GRCh37 (hg19) VCF-style: chr17-42337212-G-A.
Other names: short protein forms H192Y.
Identifiers: ClinVar variation 2708608 (VCV002708608.3), dbSNP rs144291541, ClinGen allele CA399793486.